The following is an entry in ClinVar:

NM_004795.4(KL):c.1876C>G (p.Leu626Val)

Gene: KL (klotho; plus strand). Cytogenetic location: 13q13.1.
Variant type: single nucleotide variant.
Coding change: c.1876C>G on transcript NM_004795.4 (MANE Select); coding-DNA position 1876, C replaced by G.
Protein change: p.Leu626Val; replaces leucine 626 with valine.
Molecular consequence: missense variant.
Genome position (GRCh38, 1-based): chr13:33,060,955, C>G. VCF-style: chr13-33060955-C-G. GRCh37 (hg19) VCF-style: chr13-33635092-C-G.
Other names: short protein forms L626V.
Identifiers: ClinVar variation 4704984 (VCV004704984.1).
Genomic context (GRCh38, chr13:33,060,955, plus strand): 5'-GGTAACCAGTCCCAGGTGAACCACACCATCCTGCAGTACTATCGCTGCATGGCCAGCGAG[C>G]TTGTCCGTGTCAACATCACCCCAGTGGTGGCCCTGTGGCAGCCTATGGCCCCGAACCAAG-3'
Protein context (NP_004786.2, residues 616-636): LQYYRCMASE[Leu626Val]VRVNITPVVA

ClinVar aggregate classification (germline): Uncertain significance (1 of 4 stars; one submission).

Submission:

Labcorp Genetics (formerly Invitae), Labcorp
Classification: Uncertain significance. Last evaluated: 2025-12-18. Review status: criteria provided, single submitter. Criteria: Invitae Variant Classification Sherloc (09022015). Collection method: clinical testing. Allele origin: germline.
Comment: This sequence change replaces leucine, which is neutral and non-polar, with valine, which is neutral and non-polar, at codon 626 of the KL protein (p.Leu626Val). This variant is present in population databases (rs771382970, gnomAD 0.007%). This variant has not been reported in the literature in individuals affected with KL-related conditions. Invitae Evidence Modeling of protein sequence and biophysical properties (such as structural, functional, and spatial information, amino acid conservation, physicochemical variation, residue mobility, and thermodynamic stability) has been performed for this missense variant. However, the output from this modeling did not meet the statistical confidence thresholds required to predict the impact of this variant on KL protein function. In summary, the available evidence is currently insufficient to determine the role of this variant in disease. Therefore, it has been classified as a Variant of Uncertain Significance.